The following is an entry in ClinVar:

NM_001909.5(CTSD):c.353-6G>A

Gene: CTSD (cathepsin D; minus strand). Cytogenetic location: 11p15.5.
Variant type: single nucleotide variant.
Coding change: c.353-6G>A on transcript NM_001909.5 (MANE Select); 6 bases into the intron before coding-DNA position 353, G replaced by A.
Molecular consequence: intron variant.
Genome position (GRCh38, 1-based): chr11:1,759,093, C>T on the plus strand (G>A on the coding strand, the complement: CTSD is on the minus strand). VCF-style: chr11-1759093-C-T. GRCh37 (hg19) VCF-style: chr11-1780323-C-T.
Identifiers: ClinVar variation 571463 (VCV000571463.10), dbSNP rs1565022065, ClinGen allele CA645569362.
Genomic context (GRCh38, chr11:1,759,093, plus strand): 5'-GTACCATTCTTCACGTAGGTGCTGGACTTGTCGCTGTTGTACTTGTGGTGGATCCCTGCC[C>T]CGGGCGACAAGGGGGCCCGCCGGTCATCCCGCAGCCCACGCCACGGCCTTAGCCCTCCCA-3'

ClinVar aggregate classification (germline): Uncertain significance (1 of 4 stars; one submission).

Conditions:
Neuronal ceroid lipofuscinosis. Also called: Neuronal Ceroid Lipofuscinoses. Identifiers: Orphanet 216, Orphanet 79263, MedGen C0027877, MONDO:0016295. Disease mechanism: loss of function.

Submission:

Labcorp Genetics (formerly Invitae), Labcorp
Classification: Uncertain significance for Neuronal ceroid lipofuscinosis. Last evaluated: 2022-06-04. Review status: criteria provided, single submitter. Criteria: Invitae Variant Classification Sherloc (09022015). Collection method: clinical testing. Allele origin: germline.
Comment: In summary, the available evidence is currently insufficient to determine the role of this variant in disease. Therefore, it has been classified as a Variant of Uncertain Significance. Algorithms developed to predict the effect of sequence changes on RNA splicing suggest that this variant may create or strengthen a splice site. ClinVar contains an entry for this variant (Variation ID: 571463). This variant has not been reported in the literature in individuals affected with CTSD-related conditions. This variant is not present in population databases (gnomAD no frequency). This sequence change falls in intron 3 of the CTSD gene. It does not directly change the encoded amino acid sequence of the CTSD protein.